The following is an entry in ClinVar:

NM_001267550.2(TTN):c.55655G>A (p.Arg18552His)

Genes: TTN (titin; minus strand), TTN-AS1 (TTN antisense RNA 1; plus strand). Cytogenetic location: 2q31.2.
Variant type: single nucleotide variant.
Coding change: c.55655G>A on transcript NM_001267550.2 (MANE Select); coding-DNA position 55655, G replaced by A.
Protein change: p.Arg18552His; replaces arginine 18552 with histidine.
Molecular consequence: missense variant.
Genome position (GRCh38, 1-based): chr2:178,601,342, C>T on the plus strand (G>A on the coding strand, the complement: TTN is on the minus strand). VCF-style: chr2-178601342-C-T. GRCh37 (hg19) VCF-style: chr2-179466069-C-T.
Other names: c.50732G>A, p.Arg16911His (NM_001256850.1); c.28460G>A, p.Arg9487His (NM_003319.4); c.47951G>A, p.Arg15984His (NM_133378.4); c.28835G>A, p.Arg9612His (NM_133432.3); c.29036G>A, p.Arg9679His (NM_133437.4); short protein forms R15984H, R18552H, R9487H, R16911H, R9612H, R9679H.
Identifiers: ClinVar variation 191940 (VCV000191940.35), dbSNP rs201774108, ClinGen allele CA237924.
Genomic context (GRCh38, chr2:178,601,342, plus strand): 5'-GTGGTCCTCTGAATGGTTTCCACAGGTGGGCCAATACCAAAACGGTTTTCTGCTCGCACA[C>T]GGAAGAAATATTGCTGTTCAGAGAGGAGATCAGGCACTACAAATGTGGTGCTTCCACAGT-3'
Protein context (NP_001254479.2, residues 18542-18562): DLLSEQQYFF[Arg18552His]VRAENRFGIG

ClinVar aggregate classification (germline): Conflicting classifications of pathogenicity. Review status: criteria provided, conflicting classifications (1 of 4 stars). 9 submissions from 9 submitters: Uncertain significance (6); Likely benign (1). 2 of the submissions do not count toward it. Last evaluated 2026-03-10.

Conditions:
Cardiovascular phenotype. Identifiers: MedGen CN230736.
TTN-related disorder. Also called: TTN-related condition; TTN-related disease; TTN-related disorders.
Dilated cardiomyopathy 1G (CMD1G). Identifiers: Orphanet 154, MedGen C1858763, MONDO:0011400, OMIM 604145.
Autosomal recessive limb-girdle muscular dystrophy type 2J (LGMDR10). Also called: Limb-girdle muscular dystrophy, type 2J; MUSCULAR DYSTROPHY, LIMB-GIRDLE, AUTOSOMAL RECESSIVE 10. Identifiers: Orphanet 140922, MedGen C1837342, MONDO:0012127, OMIM 608807.

Allele frequency attached by ClinVar (database versions not stated): TOPMed 0.00011; gnomAD exomes 0.00012; ExAC 0.00019.
gnomAD v4.1: 211 of 1,610,686 alleles (0.013%); highest among the groups gnomAD compares: Admixed American, 0.022%; no homozygotes.

Submissions (9):

PreventionGenetics, part of Exact Sciences
Classification: Uncertain significance for TTN-related condition. Last evaluated: 2026-03-10. Review status: criteria provided, single submitter. Criteria: ACMG Guidelines, 2015. Collection method: clinical testing. Allele origin: germline.
Comment: The TTN c.55655G>A variant is predicted to result in the amino acid substitution p.Arg18552His. This variant has been reported in multiple individuals from large cardiomyopathy or neuromuscular disorder cohort studies (Table S6, listed as p.Arg9679His, Haas et al. 2014. PubMed ID: 25163546; Supplementary Data, Gonzalez-Quereda et al. 2020. PubMed ID: 32403337). This variant is reported in 0.021% of alleles in individuals of European (non-Finnish) descent in gnomAD. Although we suspect that this variant may be benign, at this time, the clinical significance of this variant is uncertain due to the absence of conclusive functional and genetic evidence.

Revvity Omics, Revvity
Classification: Uncertain significance. Last evaluated: 2024-11-15. Review status: criteria provided, single submitter. Criteria: ACMG Guidelines, 2015. Collection method: clinical testing. Allele origin: germline.

CeGaT Center for Human Genetics Tuebingen
Classification: Uncertain significance. Last evaluated: 2024-05-01. Review status: criteria provided, single submitter. Criteria: CeGaT Center For Human Genetics Tuebingen Variant Classification Criteria Version 2. Collection method: clinical testing. Allele origin: germline. Affected: yes. Observed: 1 variant allele.
Comment: TTN: PM2:Supporting, PS4:Supporting

Ambry Genetics
Classification: Likely benign for Cardiovascular phenotype. Last evaluated: 2020-07-21. Review status: criteria provided, single submitter. Criteria: Ambry Variant Classification Scheme 2023. Collection method: clinical testing. Allele origin: germline.

Labcorp Genetics (formerly Invitae), Labcorp
Classification: Uncertain significance for Dilated cardiomyopathy 1G; Autosomal recessive limb-girdle muscular dystrophy type 2J. Last evaluated: 2017-09-07. Review status: criteria provided, single submitter. Criteria: Invitae Variant Classification Sherloc (09022015). Collection method: clinical testing. Allele origin: germline.

Eurofins Ntd Llc (ga)
Classification: Uncertain significance. Last evaluated: 2017-04-19. Review status: criteria provided, single submitter. Criteria: EGL Classification Definitions 2015. Collection method: clinical testing. Allele origin: germline. Observed: 1 variant allele, 1 heterozygote.

Biesecker Lab/Clinical Genomics Section, National Institutes of Health
Classification: Uncertain significance. Last evaluated: 2013-06-24. Review status: criteria provided, single submitter. Criteria: Ng et al. (Circ Cardiovasc Genet. 2013). Collection method: research. Allele origin: unknown. Observed: 1 variant allele. Study: ClinSeq.
Comment: The study set was not selected for affection status in relation to any cancer. Pathogenicity categories were based on literature curation. See Pubmed ID:23861362 for details.

Medical sequencing

Clinical Genetics DNA and cytogenetics Diagnostics Lab, Erasmus MC, Erasmus Medical Center
Classification: Uncertain significance. Review status: no assertion criteria provided. Collection method: clinical testing. Allele origin: germline. Affected: yes. Study: VKGL Data-share Consensus. Not counted in ClinVar's aggregate classification.

Joint Genome Diagnostic Labs from Nijmegen and Maastricht, Radboudumc and MUMC+
Classification: Uncertain significance. Review status: no assertion criteria provided. Collection method: clinical testing. Allele origin: germline. Affected: yes. Study: VKGL Data-share Consensus. Not counted in ClinVar's aggregate classification.

Literature cited by the submitters: PubMed 25163546 (cited by Ambry Genetics).